The following is an entry in ClinVar:

ClinVar aggregate classification (germline): Uncertain significance (1 of 4 stars; one submission).

gnomAD v4.1: 8 of 1,613,536 alleles (0.0005%); highest among the groups gnomAD compares: African/African-American, 0.0013%; no homozygotes.

Submission:

GeneDx
Classification: Uncertain significance. Last evaluated: 2023-04-07. Review status: criteria provided, single submitter. Criteria: GeneDx Variant Classification Process June 2021. Collection method: clinical testing. Allele origin: germline. Affected: yes.
Comment: Has not been previously published as pathogenic or benign to our knowledge; Not observed at significant frequency in large population cohorts (gnomAD); In silico analysis supports that this missense variant has a deleterious effect on protein structure/function

NM_001365276.2(TNXB):c.8409C>A (p.His2803Gln)

Gene: TNXB (tenascin XB; minus strand). Cytogenetic location: 6p21.33.
Variant type: single nucleotide variant.
Coding change: c.8409C>A on transcript NM_001365276.2 (MANE Select); coding-DNA position 8409, C replaced by A.
Protein change: p.His2803Gln; replaces histidine 2803 with glutamine.
Molecular consequence: missense variant.
Genome position (GRCh38, 1-based): chr6:32,055,909, G>T on the plus strand (C>A on the coding strand, the complement: TNXB is on the minus strand). VCF-style: chr6-32055909-G-T. GRCh37 (hg19) VCF-style: chr6-32023686-G-T.
Other names: c.8409C>A, p.His2803Gln (NM_019105.8); short protein forms H2803Q.
Identifiers: ClinVar variation 2499437 (VCV002499437.1), dbSNP rs781489518, ClinGen allele CA363549096.